The following is an entry in ClinVar:

NM_006121.4(KRT1):c.393A>T (p.Gly131=)

Gene: KRT1 (keratin 1; minus strand). Cytogenetic location: 12q13.13.
Variant type: single nucleotide variant.
Coding change: c.393A>T on transcript NM_006121.4 (MANE Select); coding-DNA position 393, A replaced by T.
Protein change: p.Gly131=; no amino-acid change (glycine 131 retained).
Molecular consequence: synonymous variant.
Genome position (GRCh38, 1-based): chr12:52,679,956, T>A on the plus strand (A>T on the coding strand, the complement: KRT1 is on the minus strand). VCF-style: chr12-52679956-T-A. GRCh37 (hg19) VCF-style: chr12-53073740-T-A.
Identifiers: ClinVar variation 2643032 (VCV002643032.24), dbSNP rs2498638219, ClinGen allele CA480073395.

ClinVar aggregate classification (germline): Likely benign (1 of 4 stars; one submission).

Submission:

CeGaT Center for Human Genetics Tuebingen
Classification: Likely benign. Last evaluated: 2022-07-01. Review status: criteria provided, single submitter. Criteria: CeGaT Center For Human Genetics Tuebingen Variant Classification Criteria Version 2. Collection method: clinical testing. Allele origin: germline. Affected: yes. Observed: 1 variant allele.
Comment: KRT1: PM2:Supporting, BP4, BP7